The following is an entry in ClinVar:

ClinVar aggregate classification (germline): Uncertain significance (1 of 4 stars; one submission).

Conditions:
Hereditary cancer-predisposing syndrome. Also called: Neoplastic Syndromes, Hereditary; Tumor predisposition; Hereditary neoplastic syndrome; Hereditary Cancer Syndrome. Identifiers: Orphanet 140162, MedGen C0027672, MeSH D009386, MONDO:0015356.

Submission:

Ambry Genetics
Classification: Uncertain significance for Hereditary cancer-predisposing syndrome. Last evaluated: 2024-06-16. Review status: criteria provided, single submitter. Criteria: Ambry Variant Classification Scheme 2023. Collection method: clinical testing. Allele origin: germline.
Comment: The p.K1449I variant (also known as c.4346A>T), located in coding exon 34 of the POLE gene, results from an A to T substitution at nucleotide position 4346. The lysine at codon 1449 is replaced by isoleucine, an amino acid with dissimilar properties. This amino acid position is conserved. In addition, this alteration is predicted to be tolerated by in silico analysis. Based on the available evidence, the clinical significance of this variant remains unclear.

NM_006231.4(POLE):c.4346A>T (p.Lys1449Ile)

Gene: POLE (DNA polymerase epsilon, catalytic subunit; minus strand). Cytogenetic location: 12q24.33.
Variant type: single nucleotide variant.
Coding change: c.4346A>T on transcript NM_006231.4 (MANE Select); coding-DNA position 4346, A replaced by T.
Protein change: p.Lys1449Ile; replaces lysine 1449 with isoleucine.
Molecular consequence: missense variant.
Genome position (GRCh38, 1-based): chr12:132,643,505, T>A on the plus strand (A>T on the coding strand, the complement: POLE is on the minus strand). VCF-style: chr12-132643505-T-A. GRCh37 (hg19) VCF-style: chr12-133220091-T-A.
Other names: short protein forms K1449I.
Identifiers: ClinVar variation 3308439 (VCV003308439.1).